The following is an entry in ClinVar:

ClinVar aggregate classification (germline): Uncertain significance. Review status: criteria provided, multiple submitters, no conflicts (2 of 4 stars). 3 submissions from 3 submitters: Uncertain significance (3). Last evaluated 2024-04-23.

Allele frequency attached by ClinVar (database versions not stated): gnomAD 0.00001; TOPMed 0.00002; ExAC 0.00007; gnomAD exomes 0.00009.
gnomAD v4.1: 71 of 1,612,622 alleles (0.0044%); highest among the groups gnomAD compares: Admixed American, 0.042%; no homozygotes.

Submissions (3):

Ambry Genetics
Classification: Uncertain significance. Last evaluated: 2024-04-23. Review status: criteria provided, single submitter. Criteria: Ambry Variant Classification Scheme 2023. Collection method: clinical testing. Allele origin: germline.

Blueprint Genetics
Classification: Uncertain significance. Last evaluated: 2022-10-26. Review status: criteria provided, single submitter. Criteria: ACMG Guidelines, 2015. Collection method: clinical testing. Allele origin: germline.

Labcorp Genetics (formerly Invitae), Labcorp
Classification: Uncertain significance. Last evaluated: 2022-05-25. Review status: criteria provided, single submitter. Criteria: Invitae Variant Classification Sherloc (09022015). Collection method: clinical testing. Allele origin: germline.
Comment: This sequence change replaces valine, which is neutral and non-polar, with glycine, which is neutral and non-polar, at codon 601 of the SAMD11 protein (p.Val601Gly). This variant is present in population databases (rs763053620, gnomAD 0.06%). This variant has not been reported in the literature in individuals affected with SAMD11-related conditions. ClinVar contains an entry for this variant (Variation ID: 862830). Algorithms developed to predict the effect of missense changes on protein structure and function are either unavailable or do not agree on the potential impact of this missense change (SIFT: "Deleterious"; PolyPhen-2: "Probably Damaging"; Align-GVGD: "Class C0"). In summary, the available evidence is currently insufficient to determine the role of this variant in disease. Therefore, it has been classified as a Variant of Uncertain Significance.

NM_001385641.1(SAMD11):c.2291T>G (p.Val764Gly)

Gene: SAMD11 (sterile alpha motif domain containing 11; plus strand). Cytogenetic location: 1p36.33.
Variant type: single nucleotide variant.
Coding change: c.2291T>G on transcript NM_001385641.1 (MANE Select); coding-DNA position 2291, T replaced by G.
Protein change: p.Val764Gly; replaces valine 764 with glycine.
Molecular consequence: missense variant.
Genome position (GRCh38, 1-based): chr1:943,909, T>G. VCF-style: chr1-943909-T-G. GRCh37 (hg19) VCF-style: chr1-879289-T-G.
Other names: c.2294T>G, p.Val765Gly (NM_001385640.1); c.1802T>G, p.Val601Gly (NM_152486.4); short protein forms V601G, V764G, V765G.
Identifiers: ClinVar variation 862830 (VCV000862830.6), dbSNP rs763053620, ClinGen allele CA503324.